The following is an entry in ClinVar:

NM_207037.2(TCF12):c.801C>T (p.Gly267=)

Gene: TCF12 (transcription factor 12; plus strand). Cytogenetic location: 15q21.3.
Variant type: single nucleotide variant.
Coding change: c.801C>T on transcript NM_207037.2 (MANE Select); coding-DNA position 801, C replaced by T.
Protein change: p.Gly267=; no amino-acid change (glycine 267 retained).
Molecular consequence: synonymous variant. On other transcripts: intron variant (1).
Genome position (GRCh38, 1-based): chr15:57,232,406, C>T. VCF-style: chr15-57232406-C-T. GRCh37 (hg19) VCF-style: chr15-57524604-C-T.
Other names: c.291C>T, p.Gly97= (NM_001306219.3, NM_207040.2); c.801C>T, p.Gly267= (NM_001322151.2, NM_001322152.2, NM_001322157.3 and 7 more transcripts); c.144C>T, p.Gly48= (NM_001322154.2); c.627C>T, p.Gly209= (NM_001322156.2, NM_001322158.2); c.837C>T, p.Gly279= (NM_001322164.2); c.118-306C>T (NM_001306220.3).
Identifiers: ClinVar variation 1033291 (VCV001033291.15), dbSNP rs2059176608, ClinGen allele CA490455731.
Genomic context (GRCh38, chr15:57,232,406, plus strand): 5'-TGGTTTTGGTGGAATTCTGGGGACCTCCACTTCCCACATGTCTCAATCCAGTAGTTATGG[C>T]AACCTTCATTCACATGACCGCTTGGTAGGCTATAACACGTGACTAGGGTACAGCAACACT-3'
Protein context (NP_996920.1, residues 257-277): TSHMSQSSSY[Gly267=]NLHSHDRLSY

ClinVar aggregate classification (germline): Uncertain significance. Review status: criteria provided, multiple submitters, no conflicts (2 of 4 stars). 2 submissions from 2 submitters: Uncertain significance (2). Last evaluated 2024-09-01.

Conditions:
TCF12-related craniosynostosis. Also called: Craniosynostosis 3. Identifiers: Orphanet 35098, Orphanet 35099, Orphanet 672979, MedGen C3715051, MONDO:0014128, OMIM 615314.

Submissions (2):

CeGaT Center for Human Genetics Tuebingen
Classification: Uncertain significance. Last evaluated: 2024-09-01. Review status: criteria provided, single submitter. Criteria: CeGaT Center For Human Genetics Tuebingen Variant Classification Criteria Version 2. Collection method: clinical testing. Allele origin: germline. Affected: yes. Observed: 1 variant allele.
Comment: TCF12: PM2:Supporting, PP3

Baylor Genetics
Classification: Uncertain significance for TCF12-related craniosynostosis. Last evaluated: 2018-11-15. Review status: criteria provided, single submitter. Criteria: ACMG Guidelines, 2015. Collection method: clinical testing. Allele origin: maternal. Affected: yes.
Comment: This variant was determined to be of uncertain significance according to ACMG Guidelines, 2015 [PMID:25741868]. Nonpenetrance has been reported for individuals carrying TCF12 disease-causing variants [PMID: 23354436]

Literature cited by the submitters: PubMed 23354436 (cited by Baylor Genetics).